The following is an entry in ClinVar:

NM_017849.4(TMEM127):c.146C>G (p.Ala49Gly)

Gene: TMEM127 (transmembrane protein 127; minus strand). Cytogenetic location: 2q11.2.
Variant type: single nucleotide variant.
Coding change: c.146C>G on transcript NM_017849.4 (MANE Select); coding-DNA position 146, C replaced by G.
Protein change: p.Ala49Gly; replaces alanine 49 with glycine.
Molecular consequence: missense variant. On other transcripts: intron variant (1).
Genome position (GRCh38, 1-based): chr2:96,265,236, G>C on the plus strand (C>G on the coding strand, the complement: TMEM127 is on the minus strand). VCF-style: chr2-96265236-G-C. GRCh37 (hg19) VCF-style: chr2-96930974-G-C.
Other names: c.146C>G, p.Ala49Gly (NM_001193304.3); c.-9+633C>G (NM_001407283.1); short protein forms A49G.
Identifiers: ClinVar variation 3728672 (VCV003728672.2).
Genomic context (GRCh38, chr2:96,265,236, plus strand): 5'-GAGACCCCCAGCTCCTGGCGCGAACAGGTGCCTCCGTGGATGTGCAACCAGGCGGGCTCG[G>C]CGAGGGCAGTGCACAGCGCCGTGATAGACAGGGCGCCAGGCAGGGCCGAGGCCAGGCTAC-3'
Protein context (NP_060319.1, residues 39-59): LSITALCTAL[Ala49Gly]EPAWLHIHGG

ClinVar aggregate classification (germline): Uncertain significance (1 of 4 stars; one submission).

Conditions:
Hereditary pheochromocytoma and paraganglioma. Also called: Hereditary paragangliomas and pheochromocytomas; Hereditary Paraganglioma-Pheochromocytoma Syndromes; Hereditary pheochromocytoma-paraganglioma. Identifiers: Orphanet 29072, MedGen C4274332, MONDO:0017366.

Submission:

Labcorp Genetics (formerly Invitae), Labcorp
Classification: Uncertain significance for Hereditary pheochromocytoma and paraganglioma. Last evaluated: 2025-01-08. Review status: criteria provided, single submitter. Criteria: Invitae Variant Classification Sherloc (09022015). Collection method: clinical testing. Allele origin: germline.
Comment: This sequence change replaces alanine, which is neutral and non-polar, with glycine, which is neutral and non-polar, at codon 49 of the TMEM127 protein (p.Ala49Gly). This variant is not present in population databases (gnomAD no frequency). This variant has not been reported in the literature in individuals affected with TMEM127-related conditions. An algorithm developed to predict the effect of missense changes on protein structure and function (PolyPhen-2) suggests that this variant is likely to be disruptive. In summary, the available evidence is currently insufficient to determine the role of this variant in disease. Therefore, it has been classified as a Variant of Uncertain Significance.